The following is an entry in ClinVar:

ClinVar aggregate classification (germline): Uncertain significance (1 of 4 stars; one submission).

gnomAD v4.1: 9 of 1,613,568 alleles (0.00056%); highest among the groups gnomAD compares: Admixed American, 0.015%; no homozygotes.

Submission:

Labcorp Genetics (formerly Invitae), Labcorp
Classification: Uncertain significance. Last evaluated: 2021-09-01. Review status: criteria provided, single submitter. Criteria: Invitae Variant Classification Sherloc (09022015). Collection method: clinical testing. Allele origin: germline.
Comment: This sequence change replaces glutamine with arginine at codon 692 of the PCLO protein (p.Gln692Arg). The glutamine residue is weakly conserved and there is a small physicochemical difference between glutamine and arginine. This variant is present in population databases (rs28726270, ExAC 0.02%). This variant has not been reported in the literature in individuals affected with PCLO-related conditions. Algorithms developed to predict the effect of missense changes on protein structure and function are either unavailable or do not agree on the potential impact of this missense change (SIFT: "Tolerated"; PolyPhen-2: "Not Available"; Align-GVGD: "Class C0"). In summary, the available evidence is currently insufficient to determine the role of this variant in disease. Therefore, it has been classified as a Variant of Uncertain Significance.

NM_033026.6(PCLO):c.2075A>G (p.Gln692Arg)

Gene: PCLO (piccolo presynaptic cytomatrix protein; minus strand). Cytogenetic location: 7q21.11.
Variant type: single nucleotide variant.
Coding change: c.2075A>G on transcript NM_033026.6 (MANE Select); coding-DNA position 2075, A replaced by G.
Protein change: p.Gln692Arg; replaces glutamine 692 with arginine.
Molecular consequence: missense variant.
Genome position (GRCh38, 1-based): chr7:83,135,475, T>C on the plus strand (A>G on the coding strand, the complement: PCLO is on the minus strand). VCF-style: chr7-83135475-T-C. GRCh37 (hg19) VCF-style: chr7-82764791-T-C.
Other names: c.2075A>G, p.Gln692Arg (NM_014510.3); short protein forms Q692R.
Identifiers: ClinVar variation 1353611 (VCV001353611.5), dbSNP rs28726270, ClinGen allele CA4321320.